The following is an entry in ClinVar:

ClinVar aggregate classification (germline): Uncertain significance (1 of 4 stars; one submission).

Conditions:
RTN4IP1-related disorder. Also called: RTN4IP1-related condition.

Submission:

PreventionGenetics, part of Exact Sciences
Classification: Uncertain significance for RTN4IP1-related condition. Last evaluated: 2024-11-22. Review status: criteria provided, single submitter. Criteria: ACMG Guidelines, 2015. Collection method: clinical testing. Allele origin: germline.
Comment: The RTN4IP1 c.1147G>A variant is predicted to result in the amino acid substitution p.Glu383Lys. To our knowledge, this variant has not been reported in the literature. This variant is present in 0.00088% of alleles in individuals of European (Non-Finnish) descent in gnomAD. At this time, the clinical significance of this variant is uncertain due to the absence of conclusive functional and genetic evidence.

NM_032730.5(RTN4IP1):c.1147G>A (p.Glu383Lys)

Gene: RTN4IP1 (reticulon 4 interacting protein 1; minus strand). Cytogenetic location: 6q21.
Variant type: single nucleotide variant.
Coding change: c.1147G>A on transcript NM_032730.5 (MANE Select); coding-DNA position 1147, G replaced by A.
Protein change: p.Glu383Lys; replaces glutamic acid 383 with lysine.
Molecular consequence: missense variant.
Genome position (GRCh38, 1-based): chr6:106,572,040, C>T on the plus strand (G>A on the coding strand, the complement: RTN4IP1 is on the minus strand). VCF-style: chr6-106572040-C-T. GRCh37 (hg19) VCF-style: chr6-107019915-C-T.
Other names: c.847G>A, p.Glu283Lys (NM_001318746.1); short protein forms E283K, E383K.
Identifiers: ClinVar variation 4998975 (VCV004998975.1).